The following is an entry in ClinVar:

NM_006846.4(SPINK5):c.3122G>A (p.Arg1041His)

Gene: SPINK5 (serine peptidase inhibitor Kazal type 5; plus strand). Cytogenetic location: 5q32.
Variant type: single nucleotide variant.
Coding change: c.3122G>A on transcript NM_006846.4 (MANE Select); coding-DNA position 3122, G replaced by A.
Protein change: p.Arg1041His; replaces arginine 1041 with histidine.
Molecular consequence: missense variant.
Genome position (GRCh38, 1-based): chr5:148,133,823, G>A. VCF-style: chr5-148133823-G-A. GRCh37 (hg19) VCF-style: chr5-147513386-G-A.
Other names: c.3212G>A, p.Arg1071His (NM_001127698.2); short protein forms R1041H, R1071H.
Identifiers: ClinVar variation 2421626 (VCV002421626.7), dbSNP rs1412152696, ClinGen allele CA361652345.
Genomic context (GRCh38, chr5:148,133,823, plus strand): 5'-CCTCGTTGTTGAAGCATCCTCTGATCTGTTTTAGGATACGCCAAACAAATACACACATCC[G>A]CAGTACAGGGAAGTGTGAGGAGAGCAGCACCCCAGGAACCACCGCAGCCAGCATGCCCCC-3'
Protein context (NP_006837.2, residues 1031-1051): NLIRQTNTHI[Arg1041His]STGKCEESST

ClinVar aggregate classification (germline): Uncertain significance (1 of 4 stars; one submission).

Conditions:
Ichthyosis linearis circumflexa. Identifiers: MedGen C0265962, MONDO:0043106, HP:0025810.

Allele frequency attached by ClinVar (database versions not stated): TOPMed below 0.00001.
gnomAD v4.1: 5 of 1,613,924 alleles (0.00031%); highest among the groups gnomAD compares: East Asian, 0.0045%; no homozygotes.

Submission:

Labcorp Genetics (formerly Invitae), Labcorp
Classification: Uncertain significance for Ichthyosis linearis circumflexa. Last evaluated: 2021-12-24. Review status: criteria provided, single submitter. Criteria: Invitae Variant Classification Sherloc (09022015). Collection method: clinical testing. Allele origin: germline.
Comment: In summary, the available evidence is currently insufficient to determine the role of this variant in disease. Therefore, it has been classified as a Variant of Uncertain Significance. This sequence change replaces arginine, which is basic and polar, with histidine, which is basic and polar, at codon 1041 of the SPINK5 protein (p.Arg1041His). This variant is not present in population databases (gnomAD no frequency). This variant has not been reported in the literature in individuals affected with SPINK5-related conditions. Algorithms developed to predict the effect of missense changes on protein structure and function output the following: SIFT: "Tolerated"; PolyPhen-2: "Benign"; Align-GVGD: "Class C0". The histidine amino acid residue is found in multiple mammalian species, which suggests that this missense change does not adversely affect protein function.